The following is an entry in ClinVar:

NC_000001.10:g.(?_158581054)_(158819027_?)del

Genes: MNDA (myeloid cell nuclear differentiation antigen; plus strand), OR6K2 (olfactory receptor family 6 subfamily K member 2; minus strand), OR6K3 (olfactory receptor family 6 subfamily K member 3; minus strand), OR6K6 (olfactory receptor family 6 subfamily K member 6; plus strand), OR6N1 (olfactory receptor family 6 subfamily N member 1; minus strand) and 2 more. Cytogenetic location: 1q23.1.
Variant type: Deletion.
Identifiers: ClinVar variation 3247947 (VCV003247947.1).

ClinVar aggregate classification (germline): Pathogenic (1 of 4 stars; one submission).

Submission:

Labcorp Genetics (formerly Invitae), Labcorp
Classification: Pathogenic. Last evaluated: 2022-12-24. Review status: criteria provided, single submitter. Criteria: Invitae Variant Classification Sherloc (09022015). Collection method: clinical testing. Allele origin: unknown.
Comment: For these reasons, this variant has been classified as Pathogenic. A similar copy number variant has been observed in individual(s) with SPTA1-related conditions (PMID: 31333484, 34845540). A gross deletion of the genomic region encompassing the full coding sequence of the SPTA1 gene has been identified. Loss-of-function variants in SPTA1 are known to be pathogenic (PMID: 9192783, 18815189, 31333484, 31723846, 32266426). The boundaries of this event are unknown as they extend beyond the assayed region for this gene and therefore may encompass additional genes.

Literature cited by the submitters: PubMed 31333484; PubMed 34845540; PubMed 9192783; PubMed 18815189; PubMed 31723846; PubMed 32266426.